The following is an entry in ClinVar:

ClinVar aggregate classification (germline): Uncertain significance (1 of 4 stars; one submission).

Conditions:
Hereditary cancer-predisposing syndrome. Also called: Neoplastic Syndromes, Hereditary; Tumor predisposition; Hereditary neoplastic syndrome; Hereditary Cancer Syndrome. Identifiers: Orphanet 140162, MedGen C0027672, MeSH D009386, MONDO:0015356.

Submission:

Ambry Genetics
Classification: Uncertain significance for Hereditary cancer-predisposing syndrome. Last evaluated: 2026-07-06. Review status: criteria provided, single submitter. Criteria: Ambry Variant Classification Scheme 2023. Collection method: clinical testing. Allele origin: germline.
Comment: The p.N567Y variant (also known as c.1699A>T), located in coding exon 9 of the BRCA1 gene, results from an A to T substitution at nucleotide position 1699. The asparagine at codon 567 is replaced by tyrosine, an amino acid with dissimilar properties. This amino acid position is conserved. In addition, this alteration is predicted to be deleterious by in silico analysis. Based on the available evidence, the clinical significance of this variant remains unclear.

NM_007294.4(BRCA1):c.1699A>T (p.Asn567Tyr)

Gene: BRCA1 (BRCA1 DNA repair associated; minus strand). Cytogenetic location: 17q21.31.
Variant type: single nucleotide variant.
Coding change: c.1699A>T on transcript NM_007294.4 (MANE Select); coding-DNA position 1699, A replaced by T.
Protein change: p.Asn567Tyr; replaces asparagine 567 with tyrosine.
Molecular consequence: missense variant. On other transcripts: intron variant (137).
Genome position (GRCh38, 1-based): chr17:43,093,832, T>A on the plus strand (A>T on the coding strand, the complement: BRCA1 is on the minus strand). VCF-style: chr17-43093832-T-A. GRCh37 (hg19) VCF-style: chr17-41245849-T-A.
Other names: c.661+912A>T (NM_001408448.1, NM_001408445.1, NM_001408432.1 and 6 more transcripts); c.667+2014A>T (NM_001408421.1, NM_001408431.1, NM_001408424.1); c.784+912A>T (NM_001407991.1, NM_001408407.1, NM_001408402.1 and 13 more transcripts); c.664+912A>T (NM_001408427.1, NM_001408443.1, NM_001408439.1 and 12 more transcripts); c.523+912A>T (NM_001408496.1, NM_001408499.1, NM_001408498.1 and 3 more transcripts); c.646+912A>T (NM_001408460.1, NM_001408454.1, NM_001408456.1 and 11 more transcripts); c.706+912A>T (NM_001408413.1, NM_001408416.1); c.586+912A>T (NM_001408476.1, NM_001408474.1); and 40 more; short protein forms N439Y, N455Y, N496Y, N525Y, N526Y, N540Y, N564Y, N440Y.
Identifiers: ClinVar variation 5033177 (VCV005033177.1).